The following is an entry in ClinVar:

NM_004991.4(MECOM):c.2156C>T (p.Pro719Leu)

Gene: MECOM (MDS1 and EVI1 complex locus; minus strand). Cytogenetic location: 3q26.2.
Variant type: single nucleotide variant.
Coding change: c.2156C>T on transcript NM_004991.4 (MANE Select); coding-DNA position 2156, C replaced by T.
Protein change: p.Pro719Leu; replaces proline 719 with leucine.
Molecular consequence: missense variant.
Genome position (GRCh38, 1-based): chr3:169,115,716, G>A on the plus strand (C>T on the coding strand, the complement: MECOM is on the minus strand). VCF-style: chr3-169115716-G-A. GRCh37 (hg19) VCF-style: chr3-168833504-G-A.
Other names: c.1787C>T, p.Pro596Leu (NM_001105077.4); c.1592C>T, p.Pro531Leu (NM_001105078.4, NM_001164000.2, NM_001205194.2 and 4 more transcripts); c.1595C>T, p.Pro532Leu (NM_001163999.2, NM_001366467.2, NM_001366468.2 and 1 more transcripts); c.2156C>T, p.Pro719Leu (NM_001366466.2); c.1184C>T, p.Pro395Leu (NM_001366473.2); c.620C>T, p.Pro207Leu (NM_001366474.2); short protein forms P531L, P207L, P596L, P719L, P395L, P532L.
Identifiers: ClinVar variation 4053191 (VCV004053191.1).
Genomic context (GRCh38, chr3:169,115,716, plus strand): 5'-TCAGAGCTGCCCTTCTGCAGTTTCTTTACTTCACCTGGTGATTGGGGTTCCATTTTCAAA[G>A]GTAACGATCTCAAGTCTCTATCAGGAAATGGGTACATTGATTGAGAGAATGCTGGAAAAA-3'
Protein context (NP_004982.2, residues 709-729): PFPDRDLRSL[Pro719Leu]LKMEPQSPGE

ClinVar aggregate classification (germline): Uncertain significance (1 of 4 stars; one submission).

Conditions:
Inborn genetic diseases. Identifiers: MedGen C0950123, MeSH D030342.

Submission:

Ambry Genetics
Classification: Uncertain significance for Inborn genetic diseases. Last evaluated: 2025-04-17. Review status: criteria provided, single submitter. Criteria: Ambry Variant Classification Scheme 2023. Collection method: clinical testing. Allele origin: germline.
Comment: The p.P719L variant (also known as c.2156C>T), located in coding exon 8 of the MECOM gene, results from a C to T substitution at nucleotide position 2156. The proline at codon 719 is replaced by leucine, an amino acid with similar properties. This amino acid position is conserved. In addition, this alteration is predicted to be tolerated by in silico analysis. Based on the available evidence, the clinical significance of this variant remains unclear.